The following is an entry in ClinVar:

NM_000551.4(VHL):c.571C>G (p.His191Asp)

Genes: VHL (von Hippel-Lindau tumor suppressor; plus strand), LOC107303340 (3p25 von Hippel-Lindau tumor suppressor, E3 ubiquitin protein ligase Alu-mediated recombination region; plus strand). Cytogenetic location: 3p25.3.
Variant type: single nucleotide variant.
Coding change: c.571C>G on transcript NM_000551.4 (MANE Select); coding-DNA position 571, C replaced by G.
Protein change: p.His191Asp; replaces histidine 191 with aspartic acid.
Molecular consequence: missense variant. On other transcripts: 3 prime UTR variant (1).
Genome position (GRCh38, 1-based): chr3:10,149,894, C>G. VCF-style: chr3-10149894-C-G. GRCh37 (hg19) VCF-style: chr3-10191578-C-G.
Other names: c.*125C>G (NM_001354723.2); c.448C>G, p.His150Asp (NM_198156.3); short protein forms H191D, H150D.
Identifiers: ClinVar variation 2235 (VCV000002235.12), dbSNP rs28940301, ClinGen allele CA020495.
Genomic context (GRCh38, chr3:10,149,894, plus strand): 5'-AAGCCTGAGAATTACAGGAGACTGGACATCGTCAGGTCGCTCTACGAAGATCTGGAAGAC[C>G]ACCCAAATGTGCAGAAAGACCTGGAGCGGCTGACACAGGAGCGCATTGCACATCAACGGA-3'
Protein context (NP_000542.1, residues 181-201): VRSLYEDLED[His191Asp]PNVQKDLERL

ClinVar aggregate classification (germline): Likely pathogenic. Review status: criteria provided, single submitter (1 of 4 stars). 2 submissions from 2 submitters: Likely pathogenic (1). 1 of the submissions does not count toward it. Last evaluated 2020-06-21.

Conditions:
Chuvash polycythemia. Also called: POLYCYTHEMIA, VHL-DEPENDENT. Identifiers: Orphanet 238557, MedGen C1837915, MONDO:0009892, OMIM 263400.
Von Hippel-Lindau syndrome (VHLS). Also called: VHL syndrome; Von Hippel-Lindau; von Hippel–Lindau syndrome. Identifiers: Orphanet 892, MedGen C0019562, MONDO:0008667, OMIM 193300. Disease mechanism: loss of function.

gnomAD v4.1: 1 of 1,614,166 alleles (0.000062%); highest among the groups gnomAD compares: Non-Finnish European, 0.000085%; no homozygotes.

Submissions (2):

Labcorp Genetics (formerly Invitae), Labcorp
Classification: Likely pathogenic for Von Hippel-Lindau syndrome; Chuvash polycythemia. Last evaluated: 2020-06-21. Review status: criteria provided, single submitter. Criteria: Invitae Variant Classification Sherloc (09022015). Collection method: clinical testing. Allele origin: germline.
Comment: In summary, the currently available evidence indicates that the variant is pathogenic, but additional data are needed to prove that conclusively. Therefore, this variant has been classified as Likely Pathogenic. This variant has been reported to affect VHL protein function (PMID: 21685897, 23403324). This variant has been observed as homozygous in individuals affected with erythrocytosis (PMID: 12844285, 23403324, 27651169). In a large family, this variant was observed to segregate with autosomal recessive erythrocytosis in two family members, but clinical features associated with von Hippel-Lindau (VHL) syndrome were not present in family members heterozygous for the variant (PMID: 12844285, 23403324). ClinVar contains an entry for this variant (Variation ID: 2235). This variant is not present in population databases (ExAC no frequency). This sequence change replaces histidine with aspartic acid at codon 191 of the VHL protein (p.His191Asp). The histidine residue is moderately conserved and there is a moderate physicochemical difference between histidine and aspartic acid.

OMIM
Classification: Pathogenic for ERYTHROCYTOSIS, FAMILIAL, 2. Last evaluated: 2011-06-19. Review status: no assertion criteria provided. Collection method: literature only. Allele origin: germline. Not counted in ClinVar's aggregate classification.

Literature cited by the submitters: PubMed 21685897 (cited by Labcorp Genetics (formerly Invitae), Labcorp and OMIM); PubMed 23403324 (cited by Labcorp Genetics (formerly Invitae), Labcorp and OMIM); PubMed 12844285 (cited by Labcorp Genetics (formerly Invitae), Labcorp and OMIM); PubMed 27651169 (cited by Labcorp Genetics (formerly Invitae), Labcorp); PubMed 12393546 (cited by OMIM).